The following is an entry in ClinVar:

NM_001134407.3(GRIN2A):c.3937C>T (p.Leu1313Phe)

Gene: GRIN2A (glutamate ionotropic receptor NMDA type subunit 2A; minus strand). Cytogenetic location: 16p13.2.
Variant type: single nucleotide variant.
Coding change: c.3937C>T on transcript NM_001134407.3 (MANE Select); coding-DNA position 3937, C replaced by T.
Protein change: p.Leu1313Phe; replaces leucine 1313 with phenylalanine.
Molecular consequence: missense variant. On other transcripts: intron variant (1).
Genome position (GRCh38, 1-based): chr16:9,763,607, G>A on the plus strand (C>T on the coding strand, the complement: GRIN2A is on the minus strand). VCF-style: chr16-9763607-G-A. GRCh37 (hg19) VCF-style: chr16-9857464-G-A.
Other names: c.3937C>T, p.Leu1313Phe (NM_000833.5); c.3772+165C>T (NM_001134408.2); short protein forms L1313F.
Identifiers: ClinVar variation 4754817 (VCV004754817.1).

ClinVar aggregate classification (germline): Uncertain significance (1 of 4 stars; one submission).

Conditions:
Landau-Kleffner syndrome (FESD). Also called: EPILEPSY, FOCAL, WITH SPEECH DISORDER AND WITH OR WITHOUT MENTAL RETARDATION; APHASIA, ACQUIRED, WITH EPILEPSY. Identifiers: Orphanet 1945, Orphanet 725, Orphanet 98818, MedGen C0282512, MONDO:0009509, OMIM 245570.

Submission:

Labcorp Genetics (formerly Invitae), Labcorp
Classification: Uncertain significance for Landau-Kleffner syndrome. Last evaluated: 2025-05-10. Review status: criteria provided, single submitter. Criteria: Invitae Variant Classification Sherloc (09022015). Collection method: clinical testing. Allele origin: germline.
Comment: This sequence change replaces leucine, which is neutral and non-polar, with phenylalanine, which is neutral and non-polar, at codon 1313 of the GRIN2A protein (p.Leu1313Phe). This variant is not present in population databases (gnomAD no frequency). This variant has not been reported in the literature in individuals affected with GRIN2A-related conditions. Invitae Evidence Modeling of protein sequence and biophysical properties (such as structural, functional, and spatial information, amino acid conservation, physicochemical variation, residue mobility, and thermodynamic stability) indicates that this missense variant is not expected to disrupt GRIN2A protein function with a negative predictive value of 95%. In summary, the available evidence is currently insufficient to determine the role of this variant in disease. Therefore, it has been classified as a Variant of Uncertain Significance.